The following is an entry in ClinVar:

ClinVar aggregate classification (germline): Uncertain significance (1 of 4 stars; one submission).

Conditions:
Cystic fibrosis (CF). Also called: MUCOVISCIDOSIS. Identifiers: Orphanet 586, MedGen C0010674, MONDO:0009061, OMIM 219700. Disease mechanism: loss of function.

Submission:

Ambry Genetics
Classification: Uncertain significance for Cystic fibrosis. Last evaluated: 2025-01-29. Review status: criteria provided, single submitter. Criteria: Ambry Variant Classification Scheme 2023. Collection method: clinical testing. Allele origin: germline.
Comment: The p.R766S variant (also known as c.2298G>T), located in coding exon 14 of the CFTR gene, results from a G to T substitution at nucleotide position 2298. The arginine at codon 766 is replaced by serine, an amino acid with dissimilar properties. This amino acid position is conserved. In addition, this alteration is predicted to be deleterious by in silico analysis. Based on the available evidence, the clinical significance of this variant remains unclear.

NM_000492.4(CFTR):c.2298G>T (p.Arg766Ser)

Gene: CFTR (CF transmembrane conductance regulator; plus strand). Cytogenetic location: 7q31.2.
Variant type: single nucleotide variant.
Coding change: c.2298G>T on transcript NM_000492.4 (MANE Select); coding-DNA position 2298, G replaced by T.
Protein change: p.Arg766Ser; replaces arginine 766 with serine.
Molecular consequence: missense variant.
Genome position (GRCh38, 1-based): chr7:117,592,465, G>T. VCF-style: chr7-117592465-G-T. GRCh37 (hg19) VCF-style: chr7-117232519-G-T.
Other names: short protein forms R766S.
Identifiers: ClinVar variation 3832587 (VCV003832587.1).